The following is an entry in ClinVar:

NM_000537.4(REN):c.855C>T (p.Asp285=)

Gene: REN (renin; minus strand). Cytogenetic location: 1q32.1.
Variant type: single nucleotide variant.
Coding change: c.855C>T on transcript NM_000537.4 (MANE Select); coding-DNA position 855, C replaced by T.
Protein change: p.Asp285=; no amino-acid change (aspartic acid 285 retained).
Molecular consequence: synonymous variant.
Genome position (GRCh38, 1-based): chr1:204,156,283, G>A on the plus strand (C>T on the coding strand, the complement: REN is on the minus strand). VCF-style: chr1-204156283-G-A. GRCh37 (hg19) VCF-style: chr1-204125411-G-A.
Identifiers: ClinVar variation 294952 (VCV000294952.6), dbSNP rs778959609, ClinGen allele CA1344738.

ClinVar aggregate classification (germline): Conflicting classifications of pathogenicity. Review status: criteria provided, conflicting classifications (1 of 4 stars). 3 submissions from 2 submitters: Uncertain significance (1); Likely benign (2). Last evaluated 2025-10-28.

Conditions:
Renal tubular dysgenesis. Also called: Renotubular dysgenesis. Identifiers: Orphanet 3033, MedGen C0266313, MONDO:0017609, HP:0008660.
Familial juvenile hyperuricemic nephropathy type 2 (ADTKD4). Also called: EARLY-ONSET HYPERURICEMIA, ANEMIA, AND PROGRESSIVE KIDNEY FAILURE; Autosomal Dominant Tubulointerstitial Kidney Disease – REN. Identifiers: Orphanet 217330, MedGen C2751310, MONDO:0013128, OMIM 613092.

Allele frequency attached by ClinVar (database versions not stated): ExAC 0.00003; gnomAD exomes 0.00003 and 0.00005; gnomAD 0.00011 and 0.00012; TOPMed 0.00014.
gnomAD v4.1: 59 of 1,614,052 alleles (0.0037%); highest among the groups gnomAD compares: Middle Eastern, 0.049%; no homozygotes.

Submissions (3):

Labcorp Genetics (formerly Invitae), Labcorp
Classification: Likely benign. Last evaluated: 2025-10-28. Review status: criteria provided, single submitter. Criteria: Invitae Variant Classification Sherloc (09022015). Collection method: clinical testing. Allele origin: germline.

Illumina Laboratory Services, Illumina
Classification: Likely benign for Familial juvenile hyperuricemic nephropathy type 2. Last evaluated: 2018-01-12. Review status: criteria provided, single submitter. Criteria: ICSL Variant Classification Criteria 13 December 2019. Collection method: clinical testing. Allele origin: germline.
Comment: This variant was observed in the ICSL laboratory as part of a predisposition screen in an ostensibly healthy population. It had not been previously curated by ICSL or reported in the Human Gene Mutation Database (HGMD: prior to June 1st, 2018), and was therefore a candidate for classification through an automated scoring system. Utilizing variant allele frequency, disease prevalence and penetrance estimates, and inheritance mode, an automated score was calculated to assess if this variant is too frequent to cause the disease. Based on the score and internal cut-off values, a variant classified as likely benign is not then subjected to further curation. The score for this variant resulted in a classification of likely benign for this disease.

Illumina Laboratory Services, Illumina
Classification: Uncertain significance for Renal tubular dysgenesis of genetic origin. Last evaluated: 2018-01-12. Review status: criteria provided, single submitter. Criteria: ICSL Variant Classification Criteria 13 December 2019. Collection method: clinical testing. Allele origin: germline.